The following is an entry in ClinVar:

NM_006421.5(ARFGEF1):c.1378C>A (p.Leu460Ile)

Gene: ARFGEF1 (ARF guanine nucleotide exchange factor 1; minus strand). Cytogenetic location: 8q13.2.
Variant type: single nucleotide variant.
Coding change: c.1378C>A on transcript NM_006421.5 (MANE Select); coding-DNA position 1378, C replaced by A.
Protein change: p.Leu460Ile; replaces leucine 460 with isoleucine.
Molecular consequence: missense variant. On other transcripts: 5 prime UTR variant (1), non-coding transcript variant (1).
Genome position (GRCh38, 1-based): chr8:67,271,896, G>T on the plus strand (C>A on the coding strand, the complement: ARFGEF1 is on the minus strand). VCF-style: chr8-67271896-G-T. GRCh37 (hg19) VCF-style: chr8-68184131-G-T.
Other names: c.1378C>A, p.Leu460Ile (NM_001413184.1, NM_001413185.1, NM_001413186.1 and 7 more transcripts); c.778C>A, p.Leu260Ile (NM_001413188.1, NM_001413193.1, NM_001413197.1); c.-48C>A (NM_001413196.1); short protein forms L260I, L460I.
Identifiers: ClinVar variation 3236576 (VCV003236576.1), dbSNP rs2491689475, ClinGen allele CA371218920.
Genomic context (GRCh38, chr8:67,271,896, plus strand): 5'-CATTAATAAACATCTCATTTGTCCTGAAAATAGGTCCTGCATTCTGCAGAATGGATAGAA[G>T]TAACTGCAATGAAAGAATCTTGGATCGTAGTTCATGAGACCTAAAATGTAAAAAAGAAGG-3'
Protein context (NP_006412.2, residues 450-470): LRSKILSLQL[Leu460Ile]LSILQNAGPI

ClinVar aggregate classification (germline): Uncertain significance (1 of 4 stars; one submission).

Conditions:
Developmental delay, impaired speech, and behavioral abnormalities, with or without seizures (DEDISB). Identifiers: MedGen C5575272, MONDO:0859263, OMIM 619964.

Submission:

Clinical Genomics Laboratory, Washington University in St. Louis
Classification: Uncertain significance for Developmental delay, impaired speech, and behavioral abnormalities, with or without seizures. Last evaluated: 2024-02-05. Review status: criteria provided, single submitter. Criteria: ACMG Guidelines, 2015. Collection method: clinical testing. Allele origin: germline.
Comment: The ARFGEF1 c.1378C>A (p.Leu460Ile) variant, to our knowledge, has not been reported in the medical literature and is absent from the general population (gnomAD v.2.1.1), indicating it is not a common variant. Computational predictors are uncertain as to the impact of this variant on ARFGEF1 function. Due to limited information, and based on ACMG/AMP guidelines for variant interpretation (Richards S et al., PMID: 25741868), the clinical significance of this variant is uncertain at this time.